The following is an entry in ClinVar:

ClinVar aggregate classification (germline): Uncertain significance. Review status: criteria provided, multiple submitters, no conflicts (2 of 4 stars). 2 submissions from 2 submitters: Uncertain significance (2). Last evaluated 2024-10-23.

Submissions (2):

Blueprint Genetics
Classification: Uncertain significance. Last evaluated: 2024-10-23. Review status: criteria provided, single submitter. Criteria: ACMG Guidelines, 2015. Collection method: clinical testing. Allele origin: germline.

Labcorp Genetics (formerly Invitae), Labcorp
Classification: Uncertain significance. Last evaluated: 2023-05-30. Review status: criteria provided, single submitter. Criteria: Invitae Variant Classification Sherloc (09022015). Collection method: clinical testing. Allele origin: germline.
Comment: This variant is not present in population databases (gnomAD no frequency). This sequence change falls in intron 8 of the TNNI3K gene. It does not directly change the encoded amino acid sequence of the TNNI3K protein. It affects a nucleotide within the consensus splice site. This variant has not been reported in the literature in individuals affected with TNNI3K-related conditions. Variants that disrupt the consensus splice site are a relatively common cause of aberrant splicing (PMID: 17576681, 9536098). Algorithms developed to predict the effect of sequence changes on RNA splicing suggest that this variant may disrupt the consensus splice site. In summary, the available evidence is currently insufficient to determine the role of this variant in disease. Therefore, it has been classified as a Variant of Uncertain Significance.

Literature cited by the submitters: PubMed 17576681 (cited by Labcorp Genetics (formerly Invitae), Labcorp); PubMed 9536098 (cited by Labcorp Genetics (formerly Invitae), Labcorp).

NM_015978.3(TNNI3K):c.827+6_827+15del

Genes: TNNI3K (TNNI3 interacting kinase; plus strand), FPGT-TNNI3K (FPGT-TNNI3K readthrough; plus strand). Cytogenetic location: 1p31.1.
Variant type: Deletion.
Coding change: c.827+6_827+15del on transcript NM_015978.3 (MANE Select); bases 6 to 15 of the intron after coding-DNA position 827, 10 bases deleted (TATTATGTAG; older notation c.827+6_827+15delTATTATGTAG).
Molecular consequence: intron variant.
Genome position (GRCh38, 1-based): chr1:74,342,992-74,343,001, TATTATGTAG deleted; deleting any 10 consecutive bases within chr1:74,342,990-74,343,001 gives the same sequence; the c. name uses the placement nearest the transcript's 3' end. VCF-style (leftmost placement, unchanged base first): chr1-74342989-GAGTATTATGT-G. GRCh37 (hg19) VCF-style: chr1-74808673-GAGTATTATGT-G.
Other names: c.1130+6_1130+15del (NM_001112808.3, NM_001199327.2).
Identifiers: ClinVar variation 2874360 (VCV002874360.4), dbSNP rs1570490641, ClinGen allele CA916208519.
Genomic context (GRCh38, chr1:74,342,989, plus strand): 5'-GTGATTTGGAAGTTCAACCTCATGTTGTTAATATCTATGGAGATACCCCCTTACACCTGT[GAGTATTATGT>G]AGCATTCCATAGGTTCTCCAGGTATACTGCATGTACTTGCTTACAATATTAACAAGATAT-3'